The following is an entry in ClinVar:

NM_001044.5(SLC6A3):c.1216G>A (p.Ala406Thr)

Gene: SLC6A3 (solute carrier family 6 member 3). Cytogenetic location: 5p15.33.
Variant type: single nucleotide variant.
Coding change: c.1216G>A on transcript NM_001044.5 (MANE Select); coding-DNA position 1216, G replaced by A.
Protein change: p.Ala406Thr; replaces alanine 406 with threonine.
Molecular consequence: missense variant.
Genome position (GRCh38, 1-based): chr5:1,411,296, C>T on the plus strand (G>A on the coding strand, the complement: SLC6A3 is on the minus strand). VCF-style: chr5-1411296-C-T. GRCh37 (hg19) VCF-style: chr5-1411411-C-T.
Other names: short protein forms A406T.
Identifiers: ClinVar variation 663071 (VCV000663071.10), dbSNP rs1402133250, ClinGen allele CA359080600.

ClinVar aggregate classification (germline): Uncertain significance (1 of 4 stars; one submission).

Conditions:
Parkinsonism-dystonia, infantile. Identifiers: Orphanet 238455, MedGen C2751067, MONDO:0013150.

Allele frequency attached by ClinVar (database versions not stated): gnomAD exomes below 0.00001.
gnomAD v4.1: 2 of 1,555,340 alleles (0.00013%); highest among the groups gnomAD compares: Admixed American, 0.0019%; no homozygotes.

Submission:

Labcorp Genetics (formerly Invitae), Labcorp
Classification: Uncertain significance for Parkinsonism-dystonia, infantile. Last evaluated: 2018-10-14. Review status: criteria provided, single submitter. Criteria: Invitae Variant Classification Sherloc (09022015). Collection method: clinical testing. Allele origin: germline.
Comment: In summary, the available evidence is currently insufficient to determine the role of this variant in disease. Therefore, it has been classified as a Variant of Uncertain Significance. Algorithms developed to predict the effect of missense changes on protein structure and function (SIFT, PolyPhen-2, Align-GVGD) all suggest that this variant is likely to be tolerated, but these predictions have not been confirmed by published functional studies and their clinical significance is uncertain. This variant has not been reported in the literature in individuals with SLC6A3-related disease. This variant is not present in population databases (ExAC no frequency). This sequence change replaces alanine with threonine at codon 406 of the SLC6A3 protein (p.Ala406Thr). The alanine residue is moderately conserved and there is a small physicochemical difference between alanine and threonine.